The following is an entry in ClinVar:

ClinVar aggregate classification (germline): Uncertain significance. Review status: criteria provided, multiple submitters, no conflicts (2 of 4 stars). 2 submissions from 2 submitters: Uncertain significance (2). Last evaluated 2025-12-08.

Conditions:
Cardiovascular phenotype. Identifiers: MedGen CN230736.
ANKRD1-related dilated cardiomyopathy. Identifiers: MedGen CN119551.

Submissions (2):

Labcorp Genetics (formerly Invitae), Labcorp
Classification: Uncertain significance for ANKRD1-related dilated cardiomyopathy. Last evaluated: 2025-12-08. Review status: criteria provided, single submitter. Criteria: Invitae Variant Classification Sherloc (09022015). Collection method: clinical testing. Allele origin: germline.
Comment: This sequence change replaces aspartic acid, which is acidic and polar, with glycine, which is neutral and non-polar, at codon 150 of the ANKRD1 protein (p.Asp150Gly). This variant is present in population databases (rs150266349, gnomAD 0.0009%). This variant has not been reported in the literature in individuals affected with ANKRD1-related conditions. ClinVar contains an entry for this variant (Variation ID: 1505302). Invitae Evidence Modeling of protein sequence and biophysical properties (such as structural, functional, and spatial information, amino acid conservation, physicochemical variation, residue mobility, and thermodynamic stability) has been performed for this missense variant. However, the output from this modeling did not meet the statistical confidence thresholds required to predict the impact of this variant on ANKRD1 protein function. In summary, the available evidence is currently insufficient to determine the role of this variant in disease. Therefore, it has been classified as a Variant of Uncertain Significance.

Ambry Genetics
Classification: Uncertain significance for Cardiovascular phenotype. Last evaluated: 2023-01-29. Review status: criteria provided, single submitter. Criteria: Ambry Variant Classification Scheme 2023. Collection method: clinical testing. Allele origin: germline.
Comment: The p.D150G variant (also known as c.449A>G), located in coding exon 4 of the ANKRD1 gene, results from an A to G substitution at nucleotide position 449. The aspartic acid at codon 150 is replaced by glycine, an amino acid with similar properties. This amino acid position is conserved. In addition, the in silico prediction for this alteration is inconclusive. Since supporting evidence is limited at this time, the clinical significance of this alteration remains unclear.

NM_014391.3(ANKRD1):c.449A>G (p.Asp150Gly)

Gene: ANKRD1 (ankyrin repeat domain 1; minus strand). Cytogenetic location: 10q23.31.
Variant type: single nucleotide variant.
Coding change: c.449A>G on transcript NM_014391.3 (MANE Select); coding-DNA position 449, A replaced by G.
Protein change: p.Asp150Gly; replaces aspartic acid 150 with glycine.
Molecular consequence: missense variant.
Genome position (GRCh38, 1-based): chr10:90,918,869, T>C on the plus strand (A>G on the coding strand, the complement: ANKRD1 is on the minus strand). VCF-style: chr10-90918869-T-C. GRCh37 (hg19) VCF-style: chr10-92678626-T-C.
Other names: c.449A>G (NM_014391.2); short protein forms D150G.
Identifiers: ClinVar variation 1505302 (VCV001505302.9), dbSNP rs150266349, ClinGen allele CA5598740.